The following is an entry in ClinVar:

NM_000135.4(FANCA):c.3591G>A (p.Leu1197=)

Gene: FANCA (FA complementation group A; minus strand). Cytogenetic location: 16q24.3.
Variant type: single nucleotide variant.
Coding change: c.3591G>A on transcript NM_000135.4 (MANE Select); coding-DNA position 3591, G replaced by A.
Protein change: p.Leu1197=; no amino-acid change (leucine 1197 retained).
Molecular consequence: synonymous variant.
Genome position (GRCh38, 1-based): chr16:89,744,994, C>T on the plus strand (G>A on the coding strand, the complement: FANCA is on the minus strand). VCF-style: chr16-89744994-C-T. GRCh37 (hg19) VCF-style: chr16-89811402-C-T.
Other names: c.3591G>A (LRG_495t1); c.3591G>A, p.Leu1197= (NM_001286167.3).
Identifiers: ClinVar variation 255260 (VCV000255260.27), dbSNP rs55773634, ClinGen allele CA8251088.
Genomic context (GRCh38, chr16:89,744,994, plus strand): 5'-ACCCCATCTCACCACCCACACGTACTCGCTGGCAAACTGCCGGCCTTCTTGTAGCTTCTG[C>T]AGTTCCCGGGGCAGCGGGCTCTGGCAGTGTCTCCTCCACCGGCAGAGCAGCACAGGCTCC-3'
Protein context (NP_000126.2, residues 1187-1207): RHCQSPLPRE[Leu1197=]QKLQEGRQFA

ClinVar aggregate classification (germline): Benign/Likely benign. Review status: criteria provided, multiple submitters, no conflicts (2 of 4 stars). 9 submissions from 9 submitters: Benign (4); Likely benign (5). Last evaluated 2026-07-01.

Conditions:
Inborn genetic diseases. Identifiers: MedGen C0950123, MeSH D030342.
Fanconi anemia (FA). Also called: Fanconi's anemia. Identifiers: Orphanet 84, MedGen C0015625, MeSH D005199, MONDO:0019391.
Fanconi anemia complementation group A (FANCA). Also called: FANCA-Related Fanconi Anemia; Fanconi anemia, group A. Identifiers: Orphanet 84, MedGen C3469521, MONDO:0009215, OMIM 227650.

Allele frequency attached by ClinVar (database versions not stated): gnomAD exomes 0.00069; ExAC 0.00090; gnomAD 0.00267 and 0.00282; ESP Exome Variant Server 0.00277; TOPMed 0.00301; 1000 Genomes Project 30x 0.00328; 1000 Genomes Project 0.00339.
gnomAD v4.1: 798 of 1,611,648 alleles (0.05%); highest among the groups gnomAD compares: African/African-American, 0.99%; 5 homozygotes.

Submissions (9):

CeGaT Center for Human Genetics Tuebingen
Classification: Likely benign. Last evaluated: 2026-07-01. Review status: criteria provided, single submitter. Criteria: CeGaT Center For Human Genetics Tuebingen Variant Classification Criteria Version 2. Collection method: clinical testing. Allele origin: germline. Affected: yes. Observed: 2 variant alleles.
Comment: FANCA: BP4, BP7

Labcorp Genetics (formerly Invitae), Labcorp
Classification: Benign for Fanconi anemia. Last evaluated: 2026-01-31. Review status: criteria provided, single submitter. Criteria: Invitae Variant Classification Sherloc (09022015). Collection method: clinical testing. Allele origin: germline.

Quest Diagnostics Nichols Institute San Juan Capistrano
Classification: Benign. Last evaluated: 2025-10-22. Review status: criteria provided, single submitter. Criteria: Quest Diagnostics criteria. Collection method: clinical testing. Allele origin: unknown.

Ambry Genetics
Classification: Likely benign for Inborn genetic diseases. Last evaluated: 2024-10-02. Review status: criteria provided, single submitter. Criteria: Ambry Variant Classification Scheme 2023. Collection method: clinical testing. Allele origin: germline.

Blueprint Genetics
Classification: Likely benign. Last evaluated: 2024-09-12. Review status: criteria provided, single submitter. Criteria: ACMG Guidelines, 2015. Collection method: clinical testing. Allele origin: germline.

KCCC/NGS Laboratory, Kuwait Cancer Control Center
Classification: Benign for Fanconi anemia complementation group A. Last evaluated: 2023-07-07. Review status: criteria provided, single submitter. Criteria: ACMG Guidelines, 2015. Collection method: clinical testing. Allele origin: germline. Affected: yes.

Genetic Services Laboratory, University of Chicago
Classification: Benign. Last evaluated: 2021-04-22. Review status: criteria provided, single submitter. Criteria: ACMG Guidelines, 2015. Collection method: clinical testing. Allele origin: germline. Affected: no.

Breakthrough Genomics
Classification: Likely benign. Review status: criteria provided, single submitter. Criteria: ACMG Guidelines, 2015. Collection method: not provided. Allele origin: germline. Inheritance: Autosomal recessive inheritance. Affected: yes.

PreventionGenetics, part of Exact Sciences
Classification: Likely benign. Review status: criteria provided, single submitter. Criteria: ACMG Guidelines, 2015. Collection method: clinical testing. Allele origin: germline.